The following is an entry in ClinVar:

NM_007294.4(BRCA1):c.5406+4_5406+7del

Gene: BRCA1 (BRCA1 DNA repair associated; minus strand). Cytogenetic location: 17q21.31.
Variant type: Microsatellite.
Coding change: c.5406+4_5406+7del on transcript NM_007294.4 (MANE Select); bases 4 to 7 of the intron after coding-DNA position 5406, 4 bases deleted (AGTA; older notation c.5406+4_5406+7delAGTA).
Molecular consequence: splice donor variant. On other transcripts: intron variant (19).
Genome position (GRCh38, 1-based): chr17:43,049,114-43,049,117, TACT deleted on the plus strand (AGTA on the coding strand, the reverse complement: BRCA1 is on the minus strand); deleting any 4 consecutive bases within chr17:43,049,114-43,049,121 gives the same sequence; the c. name uses the placement nearest the transcript's 3' end. VCF-style (leftmost placement, unchanged base first): chr17-43049113-ATACT-A. GRCh37 (hg19) VCF-style: chr17-41201130-ATACT-A.
Other names: c.5406+4_5406+7delAGTA (NM_007294.3); c.1953+4_1953+7del (NM_001408458.1, NM_001408461.1, NM_001408464.1 and 7 more transcripts); c.4515+4_4515+7del (NM_001407967.1); c.5025+4_5025+7del (NM_001407959.1); c.5139+4_5139+7del (NM_001407931.1, NM_001407932.1, NM_001407928.1 and 4 more transcripts); c.5262+4_5262+7del (NM_001407747.1, NM_001407745.1, NM_001407737.1 and 18 more transcripts); c.5022+4_5022+7del (NM_001407962.1, NM_001407960.1); c.1593+4_1593+7del (NM_001408512.1); and 85 more.
Identifiers: ClinVar variation 531285 (VCV000531285.16), dbSNP rs1555575073, ClinGen allele CA658798056.
Genomic context (GRCh38, chr17:43,049,113, plus strand): 5'-AGGTGCCAGTCTTGCTCACAGGAGAGAATATTGTGTCCTCCCTCTCTGACAGGGCACCCA[ATACT>A]TACTGTGCCAAGGGTGAATGATGAAAGCTCCTTCACCACAGAAGCACCACACAGCTGTAC-3'

ClinVar aggregate classification (germline): Pathogenic/Likely pathogenic. Review status: criteria provided, multiple submitters, no conflicts (2 of 4 stars). 3 submissions from 3 submitters: Pathogenic (1); Likely pathogenic (1). 1 of the submissions does not count toward it. Last evaluated 2022-03-27.

Conditions:
Hereditary breast ovarian cancer syndrome. Also called: Breast and ovarian cancer; Hereditary breast and/or ovarian cancer syndrome; BRCA1- and BRCA2-Associated Hereditary Breast and Ovarian Cancer; Hereditary breast and ovarian cancer syndrome; Hereditary breast and ovarian cancer syndrome (HBOC); Hereditary breast and ovarian cancer. Identifiers: Orphanet 145, MedGen C0677776, MeSH D061325, MONDO:0003582. Disease mechanism: loss of function.
Breast-ovarian cancer, familial, susceptibility to, 1 (BROVCA1). Also called: BRCA1 Hereditary Breast and Ovarian Cancer; OVARIAN CANCER, SUSCEPTIBILITY TO. Identifiers: Orphanet 145, MedGen C2676676, MONDO:0011450, OMIM 604370. Disease mechanism: loss of function.

Submissions (3):

Labcorp Genetics (formerly Invitae), Labcorp
Classification: Likely pathogenic for Hereditary breast ovarian cancer syndrome. Last evaluated: 2022-03-27. Review status: criteria provided, single submitter. Criteria: Invitae Variant Classification Sherloc (09022015). Collection method: clinical testing. Allele origin: germline.
Comment: In summary, the currently available evidence indicates that the variant is pathogenic, but additional data are needed to prove that conclusively. Therefore, this variant has been classified as Likely Pathogenic. This variant disrupts the c.5406+5G nucleotide in the BRCA1 gene. Other variant(s) that disrupt this nucleotide have been determined to be pathogenic (PMID: 12491487, 26681312, 30209399; Invitae). This suggests that this nucleotide is clinically significant, and that variants that disrupt this position are likely to be disease-causing. Variants that disrupt the consensus splice site are a relatively common cause of aberrant splicing (PMID: 17576681, 9536098). Studies have shown that this variant results in skipping of exon 22 and introduces a new termination codon (PMID: 31843900). However the mRNA is not expected to undergo nonsense-mediated decay. ClinVar contains an entry for this variant (Variation ID: 531285). This variant has been observed in individual(s) with breast cancer and/or ovarian cancer (PMID: 30374176). This variant is not present in population databases (gnomAD no frequency). This sequence change falls in intron 21 of the BRCA1 gene. It does not directly change the encoded amino acid sequence of the BRCA1 protein. RNA analysis indicates that this variant induces altered splicing and likely disrupts the C-terminus of the protein.

University of Washington Department of Laboratory Medicine, University of Washington
Classification: Pathogenic for Hereditary breast and ovarian cancer syndrome. Last evaluated: 2018-07-27. Review status: criteria provided, single submitter. Criteria: Tsai GJ et al. (Genet Med 2018). Collection method: research. Allele origin: germline. Inheritance: Autosomal dominant inheritance. Affected: yes.
Comment: The BRCA1 variant designated as NM_007294.3:c.5406+4_5406+7delAGTA is classified as pathogenic. This variant has not been reported in public population databases. Cosegregation analysis of one observed family using an online resource (RaÃ±ola et al, 2018, PMID:28965303) and yields a likelihood ratio of 7.46 to 1 (Thompson et al, 2003, PMID:2900794), indicating this allele is more likely to cause cancer in the family. Computational programs predicted that this variant would lead to elimination of a strong donor site. RNA studies of whole blood sample provided evidence that this variant leads to skipping of exon 22 (del 74bp in message, stop at codon 1804 of 1864) and corresponds to the entirety of BRCA1 transcript produced by the mutant allele. Bayesian analysis integrating all of this data (Tavtigian et al, 2018, PMID: 29300386) gives about 99% probability of pathogenicity, which is consistent with a classification of pathogenic. This variant is expected to alter BRCA1 function and increase risks related to BRCA1-associated cancers. This analysis was performed in conjunction with the family studies project as part of the University of Washington Find My Variant Study.

King Laboratory, University of Washington
Classification: Pathogenic for Hereditary breast and ovarian cancer syndrome; Breast-ovarian cancer, familial 1. Last evaluated: 2019-09-01. Review status: no assertion criteria provided. Collection method: research. Allele origin: germline. Affected: yes. Not counted in ClinVar's aggregate classification.
Comment: Transcript analysis by cBROCA

Literature cited by the submitters: PubMed 12491487 (cited by Labcorp Genetics (formerly Invitae), Labcorp); PubMed 26681312 (cited by Labcorp Genetics (formerly Invitae), Labcorp); PubMed 30209399 (cited by Labcorp Genetics (formerly Invitae), Labcorp); PubMed 17576681 (cited by Labcorp Genetics (formerly Invitae), Labcorp); PubMed 9536098 (cited by Labcorp Genetics (formerly Invitae), Labcorp); PubMed 31843900 (cited by Labcorp Genetics (formerly Invitae), Labcorp and King Laboratory, University of Washington); PubMed 30374176 (cited by Labcorp Genetics (formerly Invitae), Labcorp).